The following is an entry in ClinVar:

ClinVar aggregate classification (germline): Benign/Likely benign. Review status: criteria provided, multiple submitters, no conflicts (2 of 4 stars). 3 submissions from 3 submitters: Benign (1); Likely benign (2). Last evaluated 2026-01-28.

Conditions:
Mucopolysaccharidosis type 6 (MPS6). Also called: MPS 6; Maroteaux Lamy syndrome; N-ACETYLGALACTOSAMINE-4-SULFATASE DEFICIENCY; ARSB DEFICIENCY; ARYLSULFATASE B DEFICIENCY; MPS VI. Identifiers: Orphanet 583, MedGen C0026709, MONDO:0009661, OMIM 253200.

Allele frequency attached by ClinVar (database versions not stated): gnomAD 0.00001 and 0.00025; 1000 Genomes Project 30x 0.00078; gnomAD exomes 0.00118 and 0.00056; TOPMed 0.00005; 1000 Genomes Project 0.00060; ExAC 0.00137.

Submissions (3):

Labcorp Genetics (formerly Invitae), Labcorp
Classification: Benign for Mucopolysaccharidosis type 6. Last evaluated: 2026-01-28. Review status: criteria provided, single submitter. Criteria: Invitae Variant Classification Sherloc (09022015). Collection method: clinical testing. Allele origin: germline.

Blueprint Genetics
Classification: Likely benign. Last evaluated: 2024-11-18. Review status: criteria provided, single submitter. Criteria: ACMG Guidelines, 2015. Collection method: clinical testing. Allele origin: germline.

Illumina Laboratory Services, Illumina
Classification: Likely benign for Mucopolysaccharidosis type 6. Last evaluated: 2018-01-13. Review status: criteria provided, single submitter. Criteria: ICSL Variant Classification Criteria 13 December 2019. Collection method: clinical testing. Allele origin: germline.
Comment: This variant was observed in the ICSL laboratory as part of a predisposition screen in an ostensibly healthy population. It had not been previously curated by ICSL or reported in the Human Gene Mutation Database (HGMD: prior to June 1st, 2018), and was therefore a candidate for classification through an automated scoring system. Utilizing variant allele frequency, disease prevalence and penetrance estimates, and inheritance mode, an automated score was calculated to assess if this variant is too frequent to cause the disease. Based on the score and internal cut-off values, a variant classified as likely benign is not then subjected to further curation. The score for this variant resulted in a classification of likely benign for this disease.

NM_000046.5(ARSB):c.313-12T>C

Gene: ARSB (arylsulfatase B; minus strand). Cytogenetic location: 5q14.1.
Variant type: single nucleotide variant.
Coding change: c.313-12T>C on transcript NM_000046.5 (MANE Select); 12 bases into the intron before coding-DNA position 313, T replaced by C.
Molecular consequence: intron variant.
Genome position (GRCh38, 1-based): chr5:78,969,204, A>G on the plus strand (T>C on the coding strand, the complement: ARSB is on the minus strand). VCF-style: chr5-78969204-A-G. GRCh37 (hg19) VCF-style: chr5-78265027-A-G.
Other names: c.313-12T>C (NM_198709.3).
Identifiers: ClinVar variation 906820 (VCV000906820.13), dbSNP rs574816959, ClinGen allele CA3318293.
Genomic context (GRCh38, chr5:78,969,204, plus strand): 5'-AGCTGGGCTGACAGGGCCAGATTATTTGGTGCTGTAAACCTGTACGGATCTTACAGAGAT[A>G]AACATAAAATTATAGATTAATGACATTGAAATATTGTGAACAAGCAGATAAAATGGCCTT-3'